The following is an entry in ClinVar:

ClinVar aggregate classification (germline): Uncertain significance. Review status: criteria provided, multiple submitters, no conflicts (2 of 4 stars). 2 submissions from 2 submitters: Uncertain significance (2). Last evaluated 2023-06-09.

Conditions:
Hereditary cancer-predisposing syndrome. Also called: Tumor predisposition; Hereditary Cancer Syndrome; Hereditary neoplastic syndrome; Neoplastic Syndromes, Hereditary. Identifiers: Orphanet 140162, MedGen C0027672, MeSH D009386, MONDO:0015356.

Allele frequency attached by ClinVar (database versions not stated): TOPMed 0.00001; gnomAD 0.00001.

Submissions (2):

Ambry Genetics
Classification: Uncertain significance for Hereditary cancer-predisposing syndrome. Last evaluated: 2023-06-09. Review status: criteria provided, single submitter. Criteria: Ambry Variant Classification Scheme 2023. Collection method: clinical testing. Allele origin: germline.
Comment: The p.P4R variant (also known as c.11C>G), located in coding exon 1 of the NTHL1 gene, results from a C to G substitution at nucleotide position 11. The proline at codon 4 is replaced by arginine, an amino acid with dissimilar properties. This amino acid position is poorly conserved in available vertebrate species. In addition, this alteration is predicted to be tolerated by in silico analysis. Since supporting evidence is limited at this time, the clinical significance of this alteration remains unclear.

Labcorp Genetics (formerly Invitae), Labcorp
Classification: Uncertain significance. Last evaluated: 2022-04-28. Review status: criteria provided, single submitter. Criteria: Invitae Variant Classification Sherloc (09022015). Collection method: clinical testing. Allele origin: germline.
Comment: Algorithms developed to predict the effect of missense changes on protein structure and function output the following: SIFT: "Not Available"; PolyPhen-2: "Benign"; Align-GVGD: "Not Available". The arginine amino acid residue is found in multiple mammalian species, which suggests that this missense change does not adversely affect protein function. In summary, the available evidence is currently insufficient to determine the role of this variant in disease. Therefore, it has been classified as a Variant of Uncertain Significance. This variant has not been reported in the literature in individuals affected with NTHL1-related conditions. This variant is present in population databases (no rsID available, gnomAD 0.01%). This sequence change replaces proline, which is neutral and non-polar, with arginine, which is basic and polar, at codon 4 of the NTHL1 protein (p.Pro4Arg).

NC_000016.10:g.2047837G>C

Gene: NTHL1 (nth like DNA glycosylase 1; minus strand). Cytogenetic location: 16p13.3.
Variant type: single nucleotide variant.
Genome position: GRCh38 VCF-style: chr16-2047837-G-C. GRCh37 (hg19) VCF-style: chr16-2097838-G-C.
Identifiers: ClinVar variation 2144493 (VCV002144493.5), dbSNP rs1227159518, ClinGen allele CA394298856.